The following is an entry in ClinVar:

NM_001430.5(EPAS1):c.1280A>T (p.Tyr427Phe)

Gene: EPAS1 (endothelial PAS domain protein 1; plus strand). Cytogenetic location: 2p21.
Variant type: single nucleotide variant.
Coding change: c.1280A>T on transcript NM_001430.5 (MANE Select); coding-DNA position 1280, A replaced by T.
Protein change: p.Tyr427Phe; replaces tyrosine 427 with phenylalanine.
Molecular consequence: missense variant.
Genome position (GRCh38, 1-based): chr2:46,377,924, A>T. VCF-style: chr2-46377924-A-T. GRCh37 (hg19) VCF-style: chr2-46605063-A-T.
Other names: short protein forms Y427F.
Identifiers: ClinVar variation 1767791 (VCV001767791.5), dbSNP rs1228571527, ClinGen allele CA346703674.

ClinVar aggregate classification (germline): Uncertain significance. Review status: criteria provided, multiple submitters, no conflicts (2 of 4 stars). 2 submissions from 2 submitters: Uncertain significance (2). Last evaluated 2023-11-24.

Conditions:
Inborn genetic diseases. Identifiers: MedGen C0950123, MeSH D030342.

gnomAD v4.1: 4 of 1,554,366 alleles (0.00026%); highest among the groups gnomAD compares: Middle Eastern, 0.017%; no homozygotes.

Submissions (2):

Labcorp Genetics (formerly Invitae), Labcorp
Classification: Uncertain significance. Last evaluated: 2023-11-24. Review status: criteria provided, single submitter. Criteria: Invitae Variant Classification Sherloc (09022015). Collection method: clinical testing. Allele origin: germline.
Comment: This sequence change replaces tyrosine, which is neutral and polar, with phenylalanine, which is neutral and non-polar, at codon 427 of the EPAS1 protein (p.Tyr427Phe). This variant is not present in population databases (gnomAD no frequency). This variant has not been reported in the literature in individuals affected with EPAS1-related conditions. ClinVar contains an entry for this variant (Variation ID: 1767791). Algorithms developed to predict the effect of missense changes on protein structure and function output the following: SIFT: "Not Available"; PolyPhen-2: "Benign"; Align-GVGD: "Not Available". The phenylalanine amino acid residue is found in multiple mammalian species, which suggests that this missense change does not adversely affect protein function. In summary, the available evidence is currently insufficient to determine the role of this variant in disease. Therefore, it has been classified as a Variant of Uncertain Significance.

Ambry Genetics
Classification: Uncertain significance for Inborn genetic diseases. Last evaluated: 2021-11-04. Review status: criteria provided, single submitter. Criteria: Ambry Variant Classification Scheme 2023. Collection method: clinical testing. Allele origin: germline.
Comment: The p.Y427F variant (also known as c.1280A>T), located in coding exon 10 of the EPAS1 gene, results from an A to T substitution at nucleotide position 1280. The tyrosine at codon 427 is replaced by phenylalanine, an amino acid with highly similar properties. This amino acid position is conserved. In addition, this alteration is predicted to be tolerated by in silico analysis. Since supporting evidence is limited at this time, the clinical significance of this alteration remains unclear.